The following is an entry in ClinVar:

ClinVar aggregate classification (germline): Uncertain significance (1 of 4 stars; one submission).

Submission:

CeGaT Center for Human Genetics Tuebingen
Classification: Uncertain significance. Last evaluated: 2022-11-01. Review status: criteria provided, single submitter. Criteria: CeGaT Center For Human Genetics Tuebingen Variant Classification Criteria Version 2. Collection method: clinical testing. Allele origin: germline. Affected: yes. Observed: 1 variant allele.
Comment: EVC2: PM2, BP4

NM_147127.5(EVC2):c.3863C>T (p.Pro1288Leu)

Gene: EVC2 (EvC ciliary complex subunit 2; minus strand). Cytogenetic location: 4p16.2.
Variant type: single nucleotide variant.
Coding change: c.3863C>T on transcript NM_147127.5 (MANE Select); coding-DNA position 3863, C replaced by T.
Protein change: p.Pro1288Leu; replaces proline 1288 with leucine.
Molecular consequence: missense variant.
Genome position (GRCh38, 1-based): chr4:5,562,912, G>A on the plus strand (C>T on the coding strand, the complement: EVC2 is on the minus strand). VCF-style: chr4-5562912-G-A. GRCh37 (hg19) VCF-style: chr4-5564639-G-A.
Other names: c.3623C>T, p.Pro1208Leu (NM_001166136.2); short protein forms P1208L, P1288L.
Identifiers: ClinVar variation 2654607 (VCV002654607.24), dbSNP rs2475165438, ClinGen allele CA356146347.